The following is an entry in ClinVar:

ClinVar aggregate classification (germline): Uncertain significance (1 of 4 stars; one submission).

Submission:

Labcorp Genetics (formerly Invitae), Labcorp
Classification: Uncertain significance. Last evaluated: 2023-08-24. Review status: criteria provided, single submitter. Criteria: Invitae Variant Classification Sherloc (09022015). Collection method: clinical testing. Allele origin: germline.
Comment: In summary, the available evidence is currently insufficient to determine the role of this variant in disease. Therefore, it has been classified as a Variant of Uncertain Significance. Advanced modeling of protein sequence and biophysical properties (such as structural, functional, and spatial information, amino acid conservation, physicochemical variation, residue mobility, and thermodynamic stability) performed at Invitae indicates that this missense variant is expected to disrupt PLA2G4A protein function. This variant has not been reported in the literature in individuals affected with PLA2G4A-related conditions. This variant is not present in population databases (gnomAD no frequency). This sequence change replaces cysteine, which is neutral and slightly polar, with tyrosine, which is neutral and polar, at codon 151 of the PLA2G4A protein (p.Cys151Tyr).

NM_024420.3(PLA2G4A):c.452G>A (p.Cys151Tyr)

Gene: PLA2G4A (phospholipase A2 group IVA; plus strand). Cytogenetic location: 1q31.1.
Variant type: single nucleotide variant.
Coding change: c.452G>A on transcript NM_024420.3 (MANE Select); coding-DNA position 452, G replaced by A.
Protein change: p.Cys151Tyr; replaces cysteine 151 with tyrosine.
Molecular consequence: missense variant. On other transcripts: intron variant (1).
Genome position (GRCh38, 1-based): chr1:186,911,283, G>A. VCF-style: chr1-186911283-G-A. GRCh37 (hg19) VCF-style: chr1-186880415-G-A.
Other names: c.378+17072G>A (NM_001311193.2); short protein forms C151Y.
Identifiers: ClinVar variation 2876022 (VCV002876022.3), dbSNP rs917412204, ClinGen allele CA33526510.